The following is an entry in ClinVar:

NM_001348716.2(KDM6B):c.993G>A (p.Pro331=)

Gene: KDM6B (lysine demethylase 6B; plus strand). Cytogenetic location: 17p13.1.
Variant type: single nucleotide variant.
Coding change: c.993G>A on transcript NM_001348716.2 (MANE Select); coding-DNA position 993, G replaced by A.
Protein change: p.Pro331=; no amino-acid change (proline 331 retained).
Molecular consequence: synonymous variant.
Genome position (GRCh38, 1-based): chr17:7,847,188, G>A. VCF-style: chr17-7847188-G-A. GRCh37 (hg19) VCF-style: chr17-7750506-G-A.
Other names: c.993G>A, p.Pro331= (NM_001080424.2).
Identifiers: ClinVar variation 3046417 (VCV003046417.2), dbSNP rs375568952, ClinGen allele CA8360473.

ClinVar aggregate classification (germline): Likely benign (0 of 4 stars; one submission).

Conditions:
KDM6B-related disorder. Also called: KDM6B-related condition.

Allele frequency attached by ClinVar (database versions not stated): gnomAD exomes 0.00002; ExAC 0.00008; gnomAD 0.00015; TOPMed 0.00015; ESP Exome Variant Server 0.00016.
gnomAD v4.1: 59 of 1,599,194 alleles (0.0037%); highest among the groups gnomAD compares: African/African-American, 0.038%; no homozygotes.

Submission:

PreventionGenetics, part of Exact Sciences
Classification: Likely benign for KDM6B-related condition. Last evaluated: 2019-04-25. Review status: no assertion criteria provided. Collection method: clinical testing. Allele origin: germline.
Comment: This variant is classified as likely benign based on ACMG/AMP sequence variant interpretation guidelines (Richards et al. 2015 PMID: 25741868, with internal and published modifications).